The following is an entry in ClinVar:

NC_000023.10:g.(?_22186409)_(22245748_?)del

Gene: PHEX (phosphate regulating endopeptidase X-linked; plus strand). Cytogenetic location: Xp22.11.
Variant type: Deletion.
Identifiers: ClinVar variation 3245989 (VCV003245989.1).

ClinVar aggregate classification (germline): Pathogenic (1 of 4 stars; one submission).

Submission:

Labcorp Genetics (formerly Invitae), Labcorp
Classification: Pathogenic. Last evaluated: 2023-12-01. Review status: criteria provided, single submitter. Criteria: Invitae Variant Classification Sherloc (09022015). Collection method: clinical testing. Allele origin: unknown.
Comment: This variant is a gross deletion of the genomic region encompassing exon(s) 13-20 of the PHEX gene. This variant would be expected to be in-frame, preserving the integrity of the reading frame. This variant has not been reported in the literature in individuals affected with PHEX-related conditions. This variant disrupts a region of the PHEX protein in which other variant(s) (p.Ala469Glu) have been determined to be pathogenic (PMID: 33666701; Invitae). This suggests that this is a clinically significant region of the protein, and that variants that disrupt it are likely to be disease-causing. For these reasons, this variant has been classified as Pathogenic.

Literature cited by the submitters: PubMed 33666701.